The following is an entry in ClinVar:

ClinVar aggregate classification (germline): Uncertain significance (1 of 4 stars; one submission).

Conditions:
LAMA2-related muscular dystrophy (LAMA2-RD). Also called: Laminin alpha 2-related dystrophy. Identifiers: MedGen C5679788, MONDO:0100228.

Allele frequency attached by ClinVar (database versions not stated): ExAC 0.00001; gnomAD 0.00001; 1000 Genomes Project 0.00020; 1000 Genomes Project 30x 0.00031.
gnomAD v4.1: 5 of 1,613,712 alleles (0.00031%); highest among the groups gnomAD compares: Admixed American, 0.0033%; no homozygotes.

Submission:

Labcorp Genetics (formerly Invitae), Labcorp
Classification: Uncertain significance for LAMA2-related muscular dystrophy. Last evaluated: 2022-01-13. Review status: criteria provided, single submitter. Criteria: Invitae Variant Classification Sherloc (09022015). Collection method: clinical testing. Allele origin: germline.
Comment: This sequence change replaces asparagine, which is neutral and polar, with serine, which is neutral and polar, at codon 1597 of the LAMA2 protein (p.Asn1597Ser). This variant is present in population databases (rs566008145, gnomAD 0.006%). This variant has not been reported in the literature in individuals affected with LAMA2-related conditions. Advanced modeling of protein sequence and biophysical properties (such as structural, functional, and spatial information, amino acid conservation, physicochemical variation, residue mobility, and thermodynamic stability) performed at Invitae indicates that this missense variant is not expected to disrupt LAMA2 protein function. In summary, the available evidence is currently insufficient to determine the role of this variant in disease. Therefore, it has been classified as a Variant of Uncertain Significance.

NM_000426.4(LAMA2):c.4790A>G (p.Asn1597Ser)

Gene: LAMA2 (laminin subunit alpha 2; plus strand). Cytogenetic location: 6q22.33.
Variant type: single nucleotide variant.
Coding change: c.4790A>G on transcript NM_000426.4 (MANE Select); coding-DNA position 4790, A replaced by G.
Protein change: p.Asn1597Ser; replaces asparagine 1597 with serine.
Molecular consequence: missense variant.
Genome position (GRCh38, 1-based): chr6:129,366,291, A>G. VCF-style: chr6-129366291-A-G. GRCh37 (hg19) VCF-style: chr6-129687436-A-G.
Other names: c.4790A>G, p.Asn1597Ser (NM_001079823.2); short protein forms N1597S.
Identifiers: ClinVar variation 2195128 (VCV002195128.4), dbSNP rs566008145, ClinGen allele CA3993669.